The following is an entry in ClinVar:

NM_020937.4(FANCM):c.2762G>A (p.Cys921Tyr)

Gene: FANCM (FA complementation group M; plus strand). Cytogenetic location: 14q21.2.
Variant type: single nucleotide variant.
Coding change: c.2762G>A on transcript NM_020937.4 (MANE Select); coding-DNA position 2762, G replaced by A.
Protein change: p.Cys921Tyr; replaces cysteine 921 with tyrosine.
Molecular consequence: missense variant.
Genome position (GRCh38, 1-based): chr14:45,175,516, G>A. VCF-style: chr14-45175516-G-A. GRCh37 (hg19) VCF-style: chr14-45644719-G-A.
Other names: c.2684G>A, p.Cys895Tyr (NM_001308133.2); short protein forms C895Y, C921Y.
Identifiers: ClinVar variation 945343 (VCV000945343.12), dbSNP rs752914487, ClinGen allele CA7169410.

ClinVar aggregate classification (germline): Uncertain significance. Review status: criteria provided, multiple submitters, no conflicts (2 of 4 stars). 4 submissions from 4 submitters: Uncertain significance (4). Last evaluated 2025-12-03.

Conditions:
Spermatogenic failure 28. Identifiers: MedGen C4748117, MONDO:0054732, OMIM 618086.
Premature ovarian failure 15. Identifiers: MedGen C4748170, MONDO:0054862, OMIM 618096.
Fanconi anemia (FA). Also called: Fanconi's anemia. Identifiers: Orphanet 84, MedGen C0015625, MeSH D005199, MONDO:0019391.

Allele frequency attached by ClinVar (database versions not stated): TOPMed below 0.00001; gnomAD exomes 0.00001 and 0.00003; ExAC 0.00002.
gnomAD v4.1: 20 of 1,612,982 alleles (0.0012%); highest among the groups gnomAD compares: Non-Finnish European, 0.00017%; no homozygotes.

Submissions (4):

Labcorp Genetics (formerly Invitae), Labcorp
Classification: Uncertain significance for Fanconi anemia. Last evaluated: 2025-12-03. Review status: criteria provided, single submitter. Criteria: Invitae Variant Classification Sherloc (09022015). Collection method: clinical testing. Allele origin: germline.
Comment: This sequence change replaces cysteine, which is neutral and slightly polar, with tyrosine, which is neutral and polar, at codon 921 of the FANCM protein (p.Cys921Tyr). This variant is present in population databases (rs752914487, gnomAD 0.06%). This variant has not been reported in the literature in individuals affected with FANCM-related conditions. ClinVar contains an entry for this variant (Variation ID: 945343). An algorithm developed to predict the effect of missense changes on protein structure and function outputs the following: PolyPhen-2: "Benign". The tyrosine amino acid residue is found in multiple mammalian species, which suggests that this missense change does not adversely affect protein function. In summary, the available evidence is currently insufficient to determine the role of this variant in disease. Therefore, it has been classified as a Variant of Uncertain Significance.

Fulgent Genetics
Classification: Uncertain significance for Spermatogenic failure 28; Premature ovarian failure 15. Last evaluated: 2024-04-18. Review status: criteria provided, single submitter. Criteria: ACMG Guidelines, 2015. Collection method: clinical testing. Allele origin: germline.

GeneDx
Classification: Uncertain significance. Last evaluated: 2023-12-06. Review status: criteria provided, single submitter. Criteria: GeneDx Variant Classification Process June 2021. Collection method: clinical testing. Allele origin: germline. Affected: yes.
Comment: In silico analysis supports that this missense variant has a deleterious effect on protein structure/function; Observed in a patient with Peutz-Jeghers syndrome (PJS) (PMID: 34754157); This variant is associated with the following publications: (PMID: 34754157)

Department of Pathology and Laboratory Medicine, Sinai Health System
Classification: Uncertain significance for Spermatogenic failure 28; Premature ovarian failure 15. Last evaluated: 2020-08-07. Review status: criteria provided, single submitter. Criteria: ACMG Guidelines, 2015. Collection method: research. Allele origin: germline.